The following is an entry in ClinVar:

NM_003331.5(TYK2):c.794G>A (p.Arg265Gln)

Gene: TYK2 (tyrosine kinase 2; minus strand). Cytogenetic location: 19p13.2.
Variant type: single nucleotide variant.
Coding change: c.794G>A on transcript NM_003331.5 (MANE Select); coding-DNA position 794, G replaced by A.
Protein change: p.Arg265Gln; replaces arginine 265 with glutamine.
Molecular consequence: missense variant.
Genome position (GRCh38, 1-based): chr19:10,365,734, C>T on the plus strand (G>A on the coding strand, the complement: TYK2 is on the minus strand). VCF-style: chr19-10365734-C-T. GRCh37 (hg19) VCF-style: chr19-10476410-C-T.
Other names: c.794G>A (LRG_121t1); short protein forms R265Q.
Identifiers: ClinVar variation 651446 (VCV000651446.8), dbSNP rs775315394, ClinGen allele CA9193613.

ClinVar aggregate classification (germline): Uncertain significance (1 of 4 stars; one submission).

Conditions:
Immunodeficiency 35 (IMD35). Also called: HIES WITH ATYPICAL MYCOBACTERIOSIS, AUTOSOMAL RECESSIVE; HYPER-IgE SYNDROME WITH ATYPICAL MYCOBACTERIOSIS, AUTOSOMAL RECESSIVE; TYK2 DEFICIENCY; Susceptibility to infection due to TYK2 deficiency. Identifiers: Orphanet 331226, MedGen C1969086, MONDO:0012682, OMIM 611521.

Allele frequency attached by ClinVar (database versions not stated): gnomAD exomes 0.00002 and 0.00004; ExAC 0.00004; gnomAD 0.00008 and 0.00009; TOPMed 0.00009.

Submission:

Labcorp Genetics (formerly Invitae), Labcorp
Classification: Uncertain significance for Immunodeficiency 35. Last evaluated: 2022-06-25. Review status: criteria provided, single submitter. Criteria: Invitae Variant Classification Sherloc (09022015). Collection method: clinical testing. Allele origin: germline.
Comment: This sequence change replaces arginine, which is basic and polar, with glutamine, which is neutral and polar, at codon 265 of the TYK2 protein (p.Arg265Gln). This variant is present in population databases (rs775315394, gnomAD 0.02%). This variant has not been reported in the literature in individuals affected with TYK2-related conditions. ClinVar contains an entry for this variant (Variation ID: 651446). Algorithms developed to predict the effect of missense changes on protein structure and function output the following: SIFT: "Not Available"; PolyPhen-2: "Benign"; Align-GVGD: "Not Available". The glutamine amino acid residue is found in multiple mammalian species, which suggests that this missense change does not adversely affect protein function. In summary, the available evidence is currently insufficient to determine the role of this variant in disease. Therefore, it has been classified as a Variant of Uncertain Significance.